The following is an entry in ClinVar:

NM_000089.4(COL1A2):c.730G>A (p.Gly244Ser)

Gene: COL1A2 (collagen type I alpha 2 chain; plus strand). Cytogenetic location: 7q21.3.
Variant type: single nucleotide variant.
Coding change: c.730G>A on transcript NM_000089.4 (MANE Select); coding-DNA position 730, G replaced by A.
Protein change: p.Gly244Ser; replaces glycine 244 with serine.
Molecular consequence: missense variant.
Genome position (GRCh38, 1-based): chr7:94,408,372, G>A. VCF-style: chr7-94408372-G-A. GRCh37 (hg19) VCF-style: chr7-94037684-G-A.
Other names: short protein forms G244S.
Identifiers: ClinVar variation 4687219 (VCV004687219.1).

ClinVar aggregate classification (germline): Likely pathogenic (1 of 4 stars; one submission).

Conditions:
Ehlers-Danlos syndrome, cardiac valvular type. Identifiers: Orphanet 230851, MedGen C4303789, MONDO:0009159, OMIM 225320.

Submission:

Women's Health and Genetics/Laboratory Corporation of America, LabCorp
Classification: Likely pathogenic for Ehlers-Danlos syndrome, cardiac valvular type. Last evaluated: 2025-10-17. Review status: criteria provided, single submitter. Criteria: LabCorp Variant Classification Summary - May 2015. Collection method: clinical testing. Allele origin: germline.
Comment: Variant summary: COL1A2 c.730G>A (p.Gly244Ser) results in a non-conservative amino acid change in the encoded protein sequence. Algorithms developed to predict the effect of missense changes on protein structure and function all suggest that this variant is likely to be disruptive. Glycine residues within the Gly-X-Y repeats of the triple helix domain are required for the structure and stability of fibrillar collagens (PMID: 7695699, 8218237, 19344236). In COL1A2, variants affecting these glycine residues are significantly enriched in individuals with disease (PMID: 9016532, 17078022) compared to the general population (ExAC). The variant was absent in 251392 control chromosomes. To our knowledge, no occurrence of c.730G>A in individuals affected with COL1A2-related conditions and no experimental evidence demonstrating its impact on protein function have been reported. No submitters have cited clinical-significance assessments for this variant to ClinVar. Based on the evidence outlined above, the variant was classified as likely pathogenic.